The following is an entry in ClinVar:

NM_001166108.2(PALLD):c.1204C>G (p.Pro402Ala)

Gene: PALLD (palladin, cytoskeletal associated protein; plus strand). Cytogenetic location: 4q32.3.
Variant type: single nucleotide variant.
Coding change: c.1204C>G on transcript NM_001166108.2 (MANE Select); coding-DNA position 1204, C replaced by G.
Protein change: p.Pro402Ala; replaces proline 402 with alanine.
Molecular consequence: missense variant.
Genome position (GRCh38, 1-based): chr4:168,683,047, C>G. VCF-style: chr4-168683047-C-G. GRCh37 (hg19) VCF-style: chr4-169604198-C-G.
Other names: c.58C>G, p.Pro20Ala (NM_001166109.2); c.1204C>G, p.Pro402Ala (NM_016081.4); short protein forms P402A, P20A.
Identifiers: ClinVar variation 2561628 (VCV002561628.26), dbSNP rs1781708008, ClinGen allele CA358794246.
Genomic context (GRCh38, chr4:168,683,047, plus strand): 5'-CTATTTTCCAGAGCTCAAAAGAAAACAACTTCTGTTTCCTTGACAATAGGATCATCATCT[C>G]CAAAGACAGGGGTGACCACAGCTGTGATTCAACCACTGTCTGTCCCTGTGCAACAGGTAA-3'
Protein context (NP_001159580.1, residues 392-412): SVSLTIGSSS[Pro402Ala]KTGVTTAVIQ

ClinVar aggregate classification (germline): Uncertain significance. Review status: criteria provided, multiple submitters, no conflicts (2 of 4 stars). 2 submissions from 2 submitters: Uncertain significance (2). Last evaluated 2023-04-20.

Submissions (2):

Ambry Genetics
Classification: Uncertain significance. Last evaluated: 2023-04-20. Review status: criteria provided, single submitter. Criteria: Ambry Variant Classification Scheme 2023. Collection method: clinical testing. Allele origin: germline.
Comment: The p.P402A variant (also known as c.1204C>G), located in coding exon 4 of the PALLD gene, results from a C to G substitution at nucleotide position 1204. The proline at codon 402 is replaced by alanine, an amino acid with highly similar properties. This amino acid position is conserved. In addition, the in silico prediction for this alteration is inconclusive. Since supporting evidence is limited at this time, the clinical significance of this alteration remains unclear.

CeGaT Center for Human Genetics Tuebingen
Classification: Uncertain significance. Last evaluated: 2022-07-01. Review status: criteria provided, single submitter. Criteria: CeGaT Center For Human Genetics Tuebingen Variant Classification Criteria Version 2. Collection method: clinical testing. Allele origin: germline. Affected: yes. Observed: 1 variant allele.
Comment: PALLD: PM2